The following is an entry in ClinVar:

ClinVar aggregate classification (germline): Uncertain significance. Review status: criteria provided, multiple submitters, no conflicts (2 of 4 stars). 5 submissions from 5 submitters: Uncertain significance (5). Last evaluated 2026-07-01.

Conditions:
YARS1-related disorder. Also called: YARS1-related condition.
Inborn genetic diseases. Identifiers: MedGen C0950123, MeSH D030342.
Charcot-Marie-Tooth disease dominant intermediate C (CMTDIC). Also called: CHARCOT-MARIE-TOOTH NEUROPATHY, DOMINANT INTERMEDIATE C. Identifiers: Orphanet 100045, MedGen C1842237, MONDO:0012012, OMIM 608323.

Allele frequency attached by ClinVar (database versions not stated): ExAC 0.00003; gnomAD exomes 0.00004 and 0.00010; TOPMed 0.00009; gnomAD 0.00010 and 0.00011; ESP Exome Variant Server 0.00023.
gnomAD v4.1: 161 of 1,614,082 alleles (0.01%); highest among the groups gnomAD compares: Non-Finnish European, 0.012%; no homozygotes.

Submissions (5):

CeGaT Center for Human Genetics Tuebingen
Classification: Uncertain significance. Last evaluated: 2026-07-01. Review status: criteria provided, single submitter. Criteria: CeGaT Center For Human Genetics Tuebingen Variant Classification Criteria Version 2. Collection method: clinical testing. Allele origin: germline. Affected: yes. Observed: 2 variant alleles.
Comment: YARS1: PM2, BP4

PreventionGenetics, part of Exact Sciences
Classification: Uncertain significance for YARS1-related condition. Last evaluated: 2026-01-27. Review status: criteria provided, single submitter. Criteria: ACMG Guidelines, 2015. Collection method: clinical testing. Allele origin: germline.
Comment: The YARS1 c.1348C>T variant is predicted to result in the amino acid substitution p.Arg450Cys. To our knowledge, this variant has not been reported in the literature. This variant is reported in 0.010% of alleles in individuals of East Asian descent in gnomAD. At this time, the clinical significance of this variant is uncertain due to the absence of conclusive functional and genetic evidence.

Labcorp Genetics (formerly Invitae), Labcorp
Classification: Uncertain significance for Charcot-Marie-Tooth disease dominant intermediate C. Last evaluated: 2025-08-14. Review status: criteria provided, single submitter. Criteria: Invitae Variant Classification Sherloc (09022015). Collection method: clinical testing. Allele origin: germline.
Comment: This sequence change replaces arginine, which is basic and polar, with cysteine, which is neutral and slightly polar, at codon 450 of the YARS protein (p.Arg450Cys). This variant is present in population databases (rs141955005, gnomAD 0.01%). This variant has not been reported in the literature in individuals affected with YARS-related conditions. ClinVar contains an entry for this variant (Variation ID: 533464). Invitae Evidence Modeling of protein sequence and biophysical properties (such as structural, functional, and spatial information, amino acid conservation, physicochemical variation, residue mobility, and thermodynamic stability) indicates that this missense variant is not expected to disrupt YARS protein function with a negative predictive value of 80%. In summary, the available evidence is currently insufficient to determine the role of this variant in disease. Therefore, it has been classified as a Variant of Uncertain Significance.

Ambry Genetics
Classification: Uncertain significance for Inborn genetic diseases. Last evaluated: 2024-04-30. Review status: criteria provided, single submitter. Criteria: Ambry Variant Classification Scheme 2023. Collection method: clinical testing. Allele origin: germline.

GeneDx
Classification: Uncertain significance. Last evaluated: 2022-06-01. Review status: criteria provided, single submitter. Criteria: GeneDx Variant Classification Process June 2021. Collection method: clinical testing. Allele origin: germline. Affected: yes.
Comment: In silico analysis supports that this missense variant does not alter protein structure/function; Has not been previously published as pathogenic or benign to our knowledge; This variant is associated with the following publications: (PMID: 16429158)

NM_003680.4(YARS1):c.1348C>T (p.Arg450Cys)

Gene: YARS1 (tyrosyl-tRNA synthetase 1; minus strand). Cytogenetic location: 1p35.1.
Variant type: single nucleotide variant.
Coding change: c.1348C>T on transcript NM_003680.4 (MANE Select); coding-DNA position 1348, C replaced by T.
Protein change: p.Arg450Cys; replaces arginine 450 with cysteine.
Molecular consequence: missense variant.
Genome position (GRCh38, 1-based): chr1:32,779,510, G>A on the plus strand (C>T on the coding strand, the complement: YARS1 is on the minus strand). VCF-style: chr1-32779510-G-A. GRCh37 (hg19) VCF-style: chr1-33245111-G-A.
Other names: short protein forms R450C.
Identifiers: ClinVar variation 533464 (VCV000533464.16), dbSNP rs141955005, ClinGen allele CA744910.